The following is an entry in ClinVar:

ClinVar aggregate classification (germline): Uncertain significance. Review status: criteria provided, multiple submitters, no conflicts (2 of 4 stars). 3 submissions from 3 submitters: Uncertain significance (3). Last evaluated 2025-02-14.

Conditions:
Inborn genetic diseases. Identifiers: MedGen C0950123, MeSH D030342.
Hypersulfaturia (HYSULF). Identifiers: MedGen C5830511, MONDO:0957268, OMIM 620372.
Nephrolithiasis susceptibility caused by SLC26A1 (CAON1). Also called: NEPHROLITHIASIS, CALCIUM OXALATE, 1. Identifiers: MedGen C5779632, MONDO:0020722, OMIM 167030.

gnomAD v4.1: 43 of 1,596,770 alleles (0.0027%); highest among the groups gnomAD compares: Middle Eastern, 0.049%; no homozygotes.

Submissions (3):

Ambry Genetics
Classification: Uncertain significance for Inborn genetic diseases. Last evaluated: 2025-02-14. Review status: criteria provided, single submitter. Criteria: Ambry Variant Classification Scheme 2023. Collection method: clinical testing. Allele origin: germline.

Fulgent Genetics
Classification: Uncertain significance for Nephrolithiasis susceptibility caused by SLC26A1; Hypersulfaturia. Last evaluated: 2024-05-09. Review status: criteria provided, single submitter. Criteria: ACMG Guidelines, 2015. Collection method: clinical testing. Allele origin: germline.

Labcorp Genetics (formerly Invitae), Labcorp
Classification: Uncertain significance. Last evaluated: 2024-04-25. Review status: criteria provided, single submitter. Criteria: Invitae Variant Classification Sherloc (09022015). Collection method: clinical testing. Allele origin: germline.
Comment: This sequence change replaces arginine, which is basic and polar, with cysteine, which is neutral and slightly polar, at codon 283 of the SLC26A1 protein (p.Arg283Cys). This variant is present in population databases (rs768886169, gnomAD 0.006%). This variant has not been reported in the literature in individuals affected with SLC26A1-related conditions. Advanced modeling of protein sequence and biophysical properties (such as structural, functional, and spatial information, amino acid conservation, physicochemical variation, residue mobility, and thermodynamic stability) performed at Invitae indicates that this missense variant is not expected to disrupt SLC26A1 protein function with a negative predictive value of 80%. In summary, the available evidence is currently insufficient to determine the role of this variant in disease. Therefore, it has been classified as a Variant of Uncertain Significance.

NM_022042.4(SLC26A1):c.847C>T (p.Arg283Cys)

Genes: IDUA (alpha-L-iduronidase; plus strand), SLC26A1 (solute carrier family 26 member 1; minus strand). Cytogenetic location: 4p16.3.
Variant type: single nucleotide variant.
Coding change: c.847C>T on transcript NM_022042.4 (MANE Select); coding-DNA position 847, C replaced by T.
Protein change: p.Arg283Cys; replaces arginine 283 with cysteine.
Molecular consequence: missense variant. On other transcripts: intron variant (2).
Genome position (GRCh38, 1-based): chr4:990,092, G>A on the plus strand (C>T on the coding strand, the complement: SLC26A1 is on the minus strand). VCF-style: chr4-990092-G-A. GRCh37 (hg19) VCF-style: chr4-983880-G-A.
Other names: c.847C>T, p.Arg283Cys (NM_213613.4); c.576+1036C>T (NM_134425.4); c.299+2143G>A (NM_000203.5); c.847C>T (NM_213613.2); short protein forms R283C.
Identifiers: ClinVar variation 3591510 (VCV003591510.4).
Genomic context (GRCh38, chr4:990,092, plus strand): 5'-TGGCCACCACGATGACCAGCAGCTCCGTGGGCAGCGGCACCCTCAGGCGGTGTCGGTAGC[G>A]GTCTGAGAGCTCCTTCGCGGCTAGCAGCACCGCCAGGCACACCGTGCTGGTGACCACGTC-3'
Protein context (NP_071325.2, residues 273-293): VLLAAKELSD[Arg283Cys]YRHRLRVPLP